The following is an entry in ClinVar:

ClinVar aggregate classification (germline): Pathogenic/Likely pathogenic. Review status: criteria provided, multiple submitters, no conflicts (2 of 4 stars). 2 submissions from 2 submitters: Pathogenic (1); Likely pathogenic (1). Last evaluated 2023-10-06.

Conditions:
HYPERHOMOCYSTEINEMIA, THROMBOTIC, CBS-RELATED. Identifiers: MedGen C3150344, OMIM 236200.
CBS-related disorder. Also called: CBS-related condition.

Allele frequency attached by ClinVar (database versions not stated): ExAC 0.00003.

Submissions (2):

Labcorp Genetics (formerly Invitae), Labcorp
Classification: Pathogenic for HYPERHOMOCYSTEINEMIA, THROMBOTIC, CBS-RELATED. Last evaluated: 2023-10-06. Review status: criteria provided, single submitter. Criteria: Invitae Variant Classification Sherloc (09022015). Collection method: clinical testing. Allele origin: germline.
Comment: This sequence change creates a premature translational stop signal (p.Glu176*) in the CBS gene. It is expected to result in an absent or disrupted protein product. Loss-of-function variants in CBS are known to be pathogenic (PMID: 10338090, 12124992). The frequency data for this variant in the population databases is considered unreliable, as metrics indicate poor data quality at this position in the gnomAD database. This variant has not been reported in the literature in individuals affected with CBS-related conditions. For these reasons, this variant has been classified as Pathogenic.

Blueprint Genetics
Classification: Likely pathogenic for CBS-related disorders. Last evaluated: 2021-08-18. Review status: criteria provided, single submitter. Criteria: ACMG Guidelines, 2015. Collection method: clinical testing. Allele origin: germline. Affected: yes. Observed: 3 variant alleles.

Literature cited by the submitters: PubMed 10338090 (cited by Labcorp Genetics (formerly Invitae), Labcorp); PubMed 12124992 (cited by Labcorp Genetics (formerly Invitae), Labcorp).

NM_000071.3(CBS):c.526G>T (p.Glu176Ter)

Gene: CBS (cystathionine beta-synthase; minus strand). Cytogenetic location: 21q22.3.
Variant type: single nucleotide variant.
Coding change: c.526G>T on transcript NM_000071.3 (MANE Select); coding-DNA position 526, G replaced by T.
Protein change: p.Glu176Ter; replaces glutamic acid 176 with a stop codon.
Molecular consequence: nonsense.
Genome position (GRCh38, 1-based): chr21:43,065,621, C>A on the plus strand (G>T on the coding strand, the complement: CBS is on the minus strand). VCF-style: chr21-43065621-C-A. GRCh37 (hg19) VCF-style: chr21-44485731-C-A.
Other names: c.526G>T, p.Glu176Ter (NM_001178008.3, NM_001178009.3, NM_001320298.2); c.211G>T, p.Glu71Ter (NM_001321072.1); short protein forms E176*, E71*.
Identifiers: ClinVar variation 2722493 (VCV002722493.4), dbSNP rs762065361, ClinGen allele CA324559.